The following is an entry in ClinVar:

ClinVar aggregate classification (germline): Uncertain significance (1 of 4 stars; one submission).

Conditions:
Developmental delay, impaired speech, and behavioral abnormalities. Identifiers: MedGen C5561957, MONDO:0859178, OMIM 619475.
Developmental delay, impaired speech, and behavioral abnormalities, with or without seizures (DEDISB). Identifiers: MedGen C5575272, MONDO:0859263, OMIM 619964.

Allele frequency attached by ClinVar (database versions not stated): gnomAD exomes below 0.00001.
gnomAD v4.1: 1 of 1,614,236 alleles (0.000062%); highest among the groups gnomAD compares: Non-Finnish European, 0.000085%; no homozygotes.

Submission:

Clinical Genomics Laboratory, Washington University in St. Louis
Classification: Uncertain significance for Developmental delay, impaired speech, and behavioral abnormalities; Developmental delay, impaired speech, and behavioral abnormalities, with or without seizures. Last evaluated: 2023-12-21. Review status: criteria provided, single submitter. Criteria: ACMG Guidelines, 2015. Collection method: clinical testing. Allele origin: germline. Affected: yes.
Comment: The SPTBN1 c.4172A>G (p.Asp1391Gly) variant, to our knowledge, has not been reported in the medical literature and is absent from the general population (gnomAD v.2.1.1), indicating it is not a common variant. Computational predictors indicate that the variant is damaging, evidence that correlates with impact to SPTBN1 function. However, most of the known pathogenic variants occur in the N-terminal actin-binding domain (also known as calponin homology (CH) domains), while this occurs in one of the spectrin repeat domains. Due to limited information, and based on ACMG/AMP guidelines for variant interpretation (Richards S et al., PMID: 25741868), the clinical significance of this variant is uncertain at this time.

NM_003128.3(SPTBN1):c.4172A>G (p.Asp1391Gly)

Gene: SPTBN1 (spectrin beta, non-erythrocytic 1; plus strand). Cytogenetic location: 2p16.2.
Variant type: single nucleotide variant.
Coding change: c.4172A>G on transcript NM_003128.3 (MANE Select); coding-DNA position 4172, A replaced by G.
Protein change: p.Asp1391Gly; replaces aspartic acid 1391 with glycine.
Molecular consequence: missense variant.
Genome position (GRCh38, 1-based): chr2:54,644,489, A>G. VCF-style: chr2-54644489-A-G. GRCh37 (hg19) VCF-style: chr2-54871626-A-G.
Other names: c.4133A>G, p.Asp1378Gly (NM_178313.3); short protein forms D1378G, D1391G.
Identifiers: ClinVar variation 3236553 (VCV003236553.1), dbSNP rs2549553705, ClinGen allele CA346899592.